The following is an entry in ClinVar:

NM_002739.5(PRKCG):c.895C>A (p.Leu299Ile)

Gene: PRKCG (protein kinase C gamma; plus strand). Cytogenetic location: 19q13.42.
Variant type: single nucleotide variant.
Coding change: c.895C>A on transcript NM_002739.5 (MANE Select); coding-DNA position 895, C replaced by A.
Protein change: p.Leu299Ile; replaces leucine 299 with isoleucine.
Molecular consequence: missense variant.
Genome position (GRCh38, 1-based): chr19:53,893,061, C>A. VCF-style: chr19-53893061-C-A. GRCh37 (hg19) VCF-style: chr19-54396315-C-A.
Other names: c.895C>A, p.Leu299Ile (NM_001316329.2); short protein forms L299I.
Identifiers: ClinVar variation 1704786 (VCV001704786.3), dbSNP rs1286344243, ClinGen allele CA407417081.

ClinVar aggregate classification (germline): Uncertain significance. Review status: criteria provided, multiple submitters, no conflicts (2 of 4 stars). 2 submissions from 2 submitters: Uncertain significance (2). Last evaluated 2024-10-02.

Conditions:
Spinocerebellar ataxia type 14 (SCA14). Identifiers: Orphanet 98763, MedGen C1854369, MONDO:0011540, OMIM 605361.

Allele frequency attached by ClinVar (database versions not stated): gnomAD exomes below 0.00001; TOPMed below 0.00001.

Submissions (2):

Revvity Omics, Revvity
Classification: Uncertain significance for Spinocerebellar ataxia type 14. Last evaluated: 2024-10-02. Review status: criteria provided, single submitter. Criteria: ACMG Guidelines, 2015. Collection method: clinical testing. Allele origin: germline.

GeneDx
Classification: Uncertain significance. Last evaluated: 2022-03-07. Review status: criteria provided, single submitter. Criteria: GeneDx Variant Classification Process June 2021. Collection method: clinical testing. Allele origin: germline. Affected: yes.
Comment: Not observed at significant frequency in large population cohorts (gnomAD); In silico analysis supports that this missense variant does not alter protein structure/function; Has not been previously published as pathogenic or benign to our knowledge